The following is an entry in ClinVar:

NM_000492.4(CFTR):c.2565C>G (p.Val855=)

Gene: CFTR (CF transmembrane conductance regulator; plus strand). Cytogenetic location: 7q31.2.
Variant type: single nucleotide variant.
Coding change: c.2565C>G on transcript NM_000492.4 (MANE Select); coding-DNA position 2565, C replaced by G.
Protein change: p.Val855=; no amino-acid change (valine 855 retained).
Molecular consequence: synonymous variant.
Genome position (GRCh38, 1-based): chr7:117,595,004, C>G. VCF-style: chr7-117595004-C-G. GRCh37 (hg19) VCF-style: chr7-117235058-C-G.
Identifiers: ClinVar variation 932194 (VCV000932194.9), dbSNP rs1233428222, ClinGen allele CA457227602.

ClinVar aggregate classification (germline): Likely benign. Review status: criteria provided, multiple submitters, no conflicts (2 of 4 stars). 3 submissions from 3 submitters: Likely benign (3). Last evaluated 2025-11-04.

Conditions:
Cystic fibrosis (CF). Also called: MUCOVISCIDOSIS. Identifiers: Orphanet 586, MedGen C0010674, MONDO:0009061, OMIM 219700. Disease mechanism: loss of function.

Submissions (3):

Ambry Genetics
Classification: Likely benign for Cystic fibrosis. Last evaluated: 2025-11-04. Review status: criteria provided, single submitter. Criteria: Ambry Variant Classification Scheme 2023. Collection method: clinical testing. Allele origin: germline.

Labcorp Genetics (formerly Invitae), Labcorp
Classification: Likely benign for Cystic fibrosis. Last evaluated: 2021-06-06. Review status: criteria provided, single submitter. Criteria: Invitae Variant Classification Sherloc (09022015). Collection method: clinical testing. Allele origin: germline.

Women's Health and Genetics/Laboratory Corporation of America, LabCorp
Classification: Likely benign. Last evaluated: 2020-05-26. Review status: criteria provided, single submitter. Criteria: LabCorp Variant Classification Summary - May 2015. Collection method: clinical testing. Allele origin: germline.
Comment: Variant summary: CFTR c.2565C>G alters a non-conserved nucleotide resulting in a synonymous change. 4/4 computational tools predict no significant impact on normal splicing. However, these predictions have yet to be confirmed by functional studies. The variant was absent in 251322 control chromosomes. The available data on variant occurrences in the general population are insufficient to allow any conclusion about variant significance. To our knowledge, no occurrence of c.2565C>G in individuals affected with Cystic Fibrosis and no experimental evidence demonstrating its impact on protein function have been reported. No clinical diagnostic laboratories have submitted clinical-significance assessments for this variant to ClinVar after 2014. Based on the evidence outlined above, the variant was classified as likely benign.